The following is an entry in ClinVar:

ClinVar aggregate classification (germline): Uncertain significance (0 of 4 stars; one submission).

Conditions:
HMGCS2-related disorder. Also called: HMGCS2-related condition.

Submission:

PreventionGenetics, part of Exact Sciences
Classification: Uncertain significance for HMGCS2-related condition. Last evaluated: 2024-07-05. Review status: no assertion criteria provided. Collection method: clinical testing. Allele origin: germline.
Comment: The HMGCS2 c.629G>A variant is predicted to result in the amino acid substitution p.Gly210Glu. To our knowledge, this variant has not been reported in the literature or in a large population database, indicating this variant is rare. At this time, the clinical significance of this variant is uncertain due to the absence of conclusive functional and genetic evidence.

NM_005518.4(HMGCS2):c.629G>A (p.Gly210Glu)

Gene: HMGCS2 (3-hydroxy-3-methylglutaryl-CoA synthase 2; minus strand). Cytogenetic location: 1p12.
Variant type: single nucleotide variant.
Coding change: c.629G>A on transcript NM_005518.4 (MANE Select); coding-DNA position 629, G replaced by A.
Protein change: p.Gly210Glu; replaces glycine 210 with glutamic acid.
Molecular consequence: missense variant. On other transcripts: intron variant (1).
Genome position (GRCh38, 1-based): chr1:119,759,920, C>T on the plus strand (G>A on the coding strand, the complement: HMGCS2 is on the minus strand). VCF-style: chr1-119759920-C-T. GRCh37 (hg19) VCF-style: chr1-120302543-C-T.
Other names: c.560-638G>A (NM_001166107.1); short protein forms G210E.
Identifiers: ClinVar variation 3356065 (VCV003356065.1).